The following is an entry in ClinVar:

NM_001127222.2(CACNA1A):c.2003A>T (p.Asp668Val)

Gene: CACNA1A (calcium voltage-gated channel subunit alpha1 A; minus strand). Cytogenetic location: 19p13.13.
Variant type: single nucleotide variant.
Coding change: c.2003A>T on transcript NM_001127222.2 (MANE Select); coding-DNA position 2003, A replaced by T.
Protein change: p.Asp668Val; replaces aspartic acid 668 with valine.
Molecular consequence: missense variant.
Genome position (GRCh38, 1-based): chr19:13,303,868, T>A on the plus strand (A>T on the coding strand, the complement: CACNA1A is on the minus strand). VCF-style: chr19-13303868-T-A. GRCh37 (hg19) VCF-style: chr19-13414682-T-A.
Other names: c.2006A>T, p.Asp669Val (NM_000068.4, NM_001127221.2, NM_001174080.2 and 1 more transcripts); short protein forms D668V, D669V.
Identifiers: ClinVar variation 2945731 (VCV002945731.3), dbSNP rs2512931628, ClinGen allele CA404344482.

ClinVar aggregate classification (germline): Uncertain significance (1 of 4 stars; one submission).

Conditions:
Episodic ataxia type 2 (EA2). Also called: CEREBELLAR ATAXIA, PAROXYSMAL, ACETAZOLAMIDE-RESPONSIVE; CEREBELLOPATHY, HEREDITARY PAROXYSMAL; EPISODIC ATAXIA, NYSTAGMUS-ASSOCIATED; ACETAZOLAMIDE-RESPONSIVE HEREDITARY PAROXYSMAL CEREBELLAR ATAXIA; ATAXIA, EPISODIC, WITH NYSTAGMUS; ATAXIA, FAMILIAL PAROXYSMAL. Identifiers: Orphanet 97, MedGen C1720416, MONDO:0007163, OMIM 108500.
Developmental and epileptic encephalopathy, 42 (DEE42A). Also called: Epileptic encephalopathy, early infantile, 42; DEVELOPMENTAL AND EPILEPTIC ENCEPHALOPATHY 42A; EPILEPTIC ENCEPHALOPATHY, EARLY INFANTILE, 42A. Identifiers: MedGen C4310716, MONDO:0014917, OMIM 617106.

Submission:

Labcorp Genetics (formerly Invitae), Labcorp
Classification: Uncertain significance for Developmental and epileptic encephalopathy, 42; Episodic ataxia type 2. Last evaluated: 2023-03-24. Review status: criteria provided, single submitter. Criteria: Invitae Variant Classification Sherloc (09022015). Collection method: clinical testing. Allele origin: germline.
Comment: This variant is not present in population databases (gnomAD no frequency). This sequence change replaces aspartic acid, which is acidic and polar, with valine, which is neutral and non-polar, at codon 669 of the CACNA1A protein (p.Asp669Val). This variant has not been reported in the literature in individuals affected with CACNA1A-related conditions. Advanced modeling of protein sequence and biophysical properties (such as structural, functional, and spatial information, amino acid conservation, physicochemical variation, residue mobility, and thermodynamic stability) performed at Invitae indicates that this missense variant is expected to disrupt CACNA1A protein function. In summary, the available evidence is currently insufficient to determine the role of this variant in disease. Therefore, it has been classified as a Variant of Uncertain Significance.